The following is an entry in ClinVar:

ClinVar aggregate classification (germline): Likely benign. Review status: criteria provided, multiple submitters, no conflicts (2 of 4 stars). 4 submissions from 4 submitters: Likely benign (3). 1 of the submissions does not count toward it. Last evaluated 2025-12-19.

Conditions:
FASN-related disorder. Also called: FASN-related condition.
Epileptic encephalopathy. Identifiers: MedGen C0543888, HP:0200134.

Allele frequency attached by ClinVar (database versions not stated): ESP Exome Variant Server 0.00015; gnomAD exomes 0.00017 and 0.00030; ExAC 0.00018; 1000 Genomes Project 0.00040; 1000 Genomes Project 30x 0.00047; gnomAD 0.00047 and 0.00048; TOPMed 0.00092.
gnomAD v4.1: 345 of 1,613,056 alleles (0.021%); highest among the groups gnomAD compares: Admixed American, 0.1%; no homozygotes.

Submissions (4):

Labcorp Genetics (formerly Invitae), Labcorp
Classification: Likely benign for Epileptic encephalopathy. Last evaluated: 2025-12-19. Review status: criteria provided, single submitter. Criteria: Invitae Variant Classification Sherloc (09022015). Collection method: clinical testing. Allele origin: germline.

Blueprint Genetics
Classification: Likely benign. Last evaluated: 2024-10-03. Review status: criteria provided, single submitter. Criteria: ACMG Guidelines, 2015. Collection method: clinical testing. Allele origin: germline.

Breakthrough Genomics
Classification: Likely benign. Review status: criteria provided, single submitter. Criteria: ACMG Guidelines, 2015. Collection method: not provided. Allele origin: germline. Inheritance: Unknown mechanism. Affected: yes.

PreventionGenetics, part of Exact Sciences
Classification: Likely benign for FASN-related condition. Last evaluated: 2020-01-27. Review status: no assertion criteria provided. Collection method: clinical testing. Allele origin: germline. Not counted in ClinVar's aggregate classification.
Comment: This variant is classified as likely benign based on ACMG/AMP sequence variant interpretation guidelines (Richards et al. 2015 PMID: 25741868, with internal and published modifications).

NM_004104.5(FASN):c.7407C>T (p.Asp2469=)

Gene: FASN (fatty acid synthase; minus strand). Cytogenetic location: 17q25.3.
Variant type: single nucleotide variant.
Coding change: c.7407C>T on transcript NM_004104.5 (MANE Select); coding-DNA position 7407, C replaced by T.
Protein change: p.Asp2469=; no amino-acid change (aspartic acid 2469 retained).
Molecular consequence: synonymous variant.
Genome position (GRCh38, 1-based): chr17:82,079,272, G>A on the plus strand (C>T on the coding strand, the complement: FASN is on the minus strand). VCF-style: chr17-82079272-G-A. GRCh37 (hg19) VCF-style: chr17-80037148-G-A.
Identifiers: ClinVar variation 531150 (VCV000531150.16), dbSNP rs144413151, ClinGen allele CA8850991.